The following is an entry in ClinVar:

NM_002087.4(GRN):c.54G>A (p.Thr18=)

Gene: GRN (granulin precursor; plus strand). Cytogenetic location: 17q21.31.
Variant type: single nucleotide variant.
Coding change: c.54G>A on transcript NM_002087.4 (MANE Select); coding-DNA position 54, G replaced by A.
Protein change: p.Thr18=; no amino-acid change (threonine 18 retained).
Molecular consequence: synonymous variant.
Genome position (GRCh38, 1-based): chr17:44,349,218, G>A. VCF-style: chr17-44349218-G-A. GRCh37 (hg19) VCF-style: chr17-42426586-G-A.
Identifiers: ClinVar variation 757878 (VCV000757878.41), dbSNP rs753160641, ClinGen allele CA8601737.

ClinVar aggregate classification (germline): Likely benign. Review status: criteria provided, multiple submitters, no conflicts (2 of 4 stars). 2 submissions from 2 submitters: Likely benign (2). Last evaluated 2024-11-01.

Conditions:
GRN-related frontotemporal lobar degeneration with Tdp43 inclusions (FTD2). Also called: FRONTOTEMPORAL LOBAR DEGENERATION WITH UBIQUITIN-POSITIVE INCLUSIONS; FTLD-TDP, GRN-RELATED; DEMENTIA, HEREDITARY DYSPHASIC DISINHIBITION; GRN Frontotemporal Dementia; FRONTOTEMPORAL DEMENTIA WITH TDP43 INCLUSIONS, GRN-RELATED. Identifiers: Orphanet 100070, Orphanet 282, MedGen C1843792, MONDO:0011842, OMIM 607485. Disease mechanism: loss of function.
Neuronal ceroid lipofuscinosis 11. Also called: GRN-Related Neuronal Ceroid-Lipofuscinosis. Identifiers: Orphanet 314629, Orphanet 79262, MedGen C3539123, MONDO:0013866, OMIM 614706.

Allele frequency attached by ClinVar (database versions not stated): gnomAD 0.00001 and 0.00002; TOPMed 0.00001; gnomAD exomes 0.00003 and 0.00007; ExAC 0.00005.
gnomAD v4.1: 52 of 1,613,952 alleles (0.0032%); highest among the groups gnomAD compares: South Asian, 0.041%; 1 homozygote.

Submissions (2):

CeGaT Center for Human Genetics Tuebingen
Classification: Likely benign. Last evaluated: 2024-11-01. Review status: criteria provided, single submitter. Criteria: CeGaT Center For Human Genetics Tuebingen Variant Classification Criteria Version 2. Collection method: clinical testing. Allele origin: germline. Affected: yes. Observed: 2 variant alleles.
Comment: GRN: BP4, BP7

Labcorp Genetics (formerly Invitae), Labcorp
Classification: Likely benign for Neuronal ceroid lipofuscinosis 11; GRN-related frontotemporal lobar degeneration with Tdp43 inclusions. Last evaluated: 2024-08-01. Review status: criteria provided, single submitter. Criteria: Invitae Variant Classification Sherloc (09022015). Collection method: clinical testing. Allele origin: germline.